The following is an entry in ClinVar:

NM_015015.3(KDM4B):c.1387C>T (p.Pro463Ser)

Gene: KDM4B (lysine demethylase 4B; plus strand). Cytogenetic location: 19p13.3.
Variant type: single nucleotide variant.
Coding change: c.1387C>T on transcript NM_015015.3 (MANE Select); coding-DNA position 1387, C replaced by T.
Protein change: p.Pro463Ser; replaces proline 463 with serine.
Molecular consequence: missense variant.
Genome position (GRCh38, 1-based): chr19:5,131,147, C>T. VCF-style: chr19-5131147-C-T. GRCh37 (hg19) VCF-style: chr19-5131158-C-T.
Other names: c.1489C>T, p.Pro497Ser (NM_001411148.1); short protein forms P463S, P497S.
Identifiers: ClinVar variation 4990867 (VCV004990867.1).

ClinVar aggregate classification (germline): Uncertain significance (1 of 4 stars; one submission).

Conditions:
KDM4B-related disorder. Also called: KDM4B-related condition.

Submission:

PreventionGenetics, part of Exact Sciences
Classification: Uncertain significance for KDM4B-related condition. Last evaluated: 2026-01-28. Review status: criteria provided, single submitter. Criteria: ACMG Guidelines, 2015. Collection method: clinical testing. Allele origin: germline.
Comment: The KDM4B c.1387C>T variant is predicted to result in the amino acid substitution p.Pro463Ser. To our knowledge, this variant has not been reported in the literature or in a large population database (gnomAD), indicating this variant is rare. At this time, the clinical significance of this variant is uncertain due to the absence of conclusive functional and genetic evidence.